The following is an entry in ClinVar:

ClinVar aggregate classification (germline): Likely pathogenic (1 of 4 stars; one submission).

Conditions:
Lethal congenital contractural syndrome Finnish type.

Submission:

Natera, Inc.
Classification: Likely pathogenic for Lethal congenital contractural syndrome Finnish type. Last evaluated: 2025-12-02. Review status: criteria provided, single submitter. Criteria: Natera Variant Classification Schema (03/2026). Collection method: clinical testing. Allele origin: germline.
Comment: The c.1473del variant in GLE1 is a frameshift variant predicted to shift the reading frame beginning at codon 492 and leads to a stop codon 64 codons downstream. This variant is expected to result in nonsense mediated decay, truncation, or a dysfunctional protein product. This variant is rare in the general population with a frequency below the threshold expected for the associated phenotype(s). Given the available evidence, this variant is classified as Likely Pathogenic.

NM_001003722.2(GLE1):c.1473del (p.Val492fs)

Genes: GLE1 (GLE1 RNA export mediator; plus strand), LOC101929270 (uncharacterized LOC101929270; minus strand). Cytogenetic location: 9q34.11.
Variant type: Deletion.
Coding change: c.1473del on transcript NM_001003722.2 (MANE Select); coding-DNA position 1473, one base deleted (A; older notation c.1473delA).
Protein change: p.Val492fs; shifts the reading frame from valine 492.
Molecular consequence: frameshift variant.
Genome position (GRCh38, 1-based): chr9:128,533,778, A deleted; the last of 2 consecutive A bases (chr9:128,533,777-128,533,778); deleting either gives the same sequence. VCF-style (leftmost placement, unchanged base first): chr9-128533776-GA-G. GRCh37 (hg19) VCF-style: chr9-131296055-GA-G.
Other names: c.1473delA, p.Val492Trpfs (NM_001003722.1); c.1500del, p.Val501fs (NM_001411013.1); c.1473del, p.Val492fs (NM_001499.2); short protein forms V492fs, V501fs.
Identifiers: ClinVar variation 4814490 (VCV004814490.1).
Genomic context (GRCh38, chr9:128,533,776, plus strand): 5'-TTTTCTGGTATTAAGTTAAAATTGTACCCACCTCTATGTTCTCAGAAACAAGGCGAGGAG[GA>G]AGTGGCCTCTCACCATGAAGCAGCATTCCCCATTGCAGTTGTGGCATCCGGGATCTGGGA-3'